The following is an entry in ClinVar:

ClinVar aggregate classification (germline): Conflicting classifications of pathogenicity. Review status: criteria provided, conflicting classifications (1 of 4 stars). 3 submissions from 3 submitters: Uncertain significance (2); Likely benign (1). Last evaluated 2025-05-11.

Conditions:
Inborn genetic diseases. Identifiers: MedGen C0950123, MeSH D030342.

Allele frequency attached by ClinVar (database versions not stated): TOPMed 0.00002; gnomAD 0.00003; ExAC 0.00005.
gnomAD v4.1: 32 of 1,612,368 alleles (0.002%); highest among the groups gnomAD compares: Non-Finnish European, 0.0025%; no homozygotes.

Submissions (3):

Ambry Genetics
Classification: Uncertain significance for Inborn genetic diseases. Last evaluated: 2025-05-11. Review status: criteria provided, single submitter. Criteria: Ambry Variant Classification Scheme 2023. Collection method: clinical testing. Allele origin: germline.

Labcorp Genetics (formerly Invitae), Labcorp
Classification: Uncertain significance. Last evaluated: 2025-03-27. Review status: criteria provided, single submitter. Criteria: Invitae Variant Classification Sherloc (09022015). Collection method: clinical testing. Allele origin: germline.
Comment: This sequence change replaces alanine, which is neutral and non-polar, with proline, which is neutral and non-polar, at codon 660 of the PRDM13 protein (p.Ala660Pro). The frequency data for this variant in the population databases is considered unreliable, as metrics indicate poor data quality at this position in the gnomAD database. This variant has not been reported in the literature in individuals affected with PRDM13-related conditions. ClinVar contains an entry for this variant (Variation ID: 1018516). An algorithm developed to predict the effect of missense changes on protein structure and function outputs the following: PolyPhen-2: "Benign". The proline amino acid residue is found in multiple mammalian species, which suggests that this missense change does not adversely affect protein function. In summary, the available evidence is currently insufficient to determine the role of this variant in disease. Therefore, it has been classified as a Variant of Uncertain Significance.

Blueprint Genetics
Classification: Likely benign. Last evaluated: 2024-10-02. Review status: criteria provided, single submitter. Criteria: ACMG Guidelines, 2015. Collection method: clinical testing. Allele origin: germline.

NM_021620.4(PRDM13):c.1978G>C (p.Ala660Pro)

Gene: PRDM13 (PR/SET domain 13; plus strand). Cytogenetic location: 6q16.2.
Variant type: single nucleotide variant.
Coding change: c.1978G>C on transcript NM_021620.4 (MANE Select); coding-DNA position 1978, G replaced by C.
Protein change: p.Ala660Pro; replaces alanine 660 with proline.
Molecular consequence: missense variant.
Genome position (GRCh38, 1-based): chr6:99,614,613, G>C. VCF-style: chr6-99614613-G-C. GRCh37 (hg19) VCF-style: chr6-100062489-G-C.
Other names: c.1978G>C (NM_021620.3); short protein forms A660P.
Identifiers: ClinVar variation 1018516 (VCV001018516.10), dbSNP rs371612283, ClinGen allele CA3936476.